The following is an entry in ClinVar:

ClinVar aggregate classification (germline): Pathogenic/Likely pathogenic. Review status: criteria provided, multiple submitters, no conflicts (2 of 4 stars). 3 submissions from 3 submitters: Pathogenic (1); Likely pathogenic (2). Last evaluated 2025-04-22.

Conditions:
Smith-Lemli-Opitz syndrome (SLOS). Also called: 7-Dehydrocholesterol reductase deficiency; LETHAL ACRODYSGENITAL SYNDROME; POLYDACTYLY, SEX REVERSAL, RENAL HYPOPLASIA, AND UNILOBAR LUNG; RSH SYNDROME; RUTLEDGE LETHAL MULTIPLE CONGENITAL ANOMALY SYNDROME. Identifiers: Orphanet 818, MedGen C0175694, MONDO:0010035, OMIM 270400.

Submissions (3):

Natera, Inc.
Classification: Likely pathogenic for Smith-Lemli-Opitz syndrome. Last evaluated: 2025-04-22. Review status: criteria provided, single submitter. Criteria: Natera Variant Classification Schema (03/2026). Collection method: clinical testing. Allele origin: germline.
Comment: The c.1112G>A variant in DHCR7 is a nonsense variant predicted to introduce a stop codon at amino acid 371. This variant is expected to result in nonsense mediated decay, truncation, or a dysfunctional protein product. This variant is rare in the general population with a frequency below the threshold expected for the associated phenotype(s). Given the available evidence, this variant is classified as Likely Pathogenic.

Labcorp Genetics (formerly Invitae), Labcorp
Classification: Pathogenic for Smith-Lemli-Opitz syndrome. Last evaluated: 2022-01-06. Review status: criteria provided, single submitter. Criteria: Invitae Variant Classification Sherloc (09022015). Collection method: clinical testing. Allele origin: germline.
Comment: This sequence change creates a premature translational stop signal (p.Trp371*) in the DHCR7 gene. While this is not anticipated to result in nonsense mediated decay, it is expected to disrupt the last 105 amino acid(s) of the DHCR7 protein. Algorithms developed to predict the effect of sequence changes on RNA splicing suggest that this variant may create or strengthen a splice site. ClinVar contains an entry for this variant (Variation ID: 813484). This variant has not been reported in the literature in individuals affected with DHCR7-related conditions. This variant is not present in population databases (gnomAD no frequency). For these reasons, this variant has been classified as Pathogenic. This variant disrupts a region of the DHCR7 protein in which other variant(s) (p.Tyr382*) have been determined to be pathogenic (Invitae). This suggests that this is a clinically significant region of the protein, and that variants that disrupt it are likely to be disease-causing.

Baylor Genetics
Classification: Likely pathogenic for Smith-Lemli-Opitz syndrome. Review status: criteria provided, single submitter. Criteria: ACMG Guidelines, 2015. Collection method: clinical testing. Allele origin: germline.

NM_001360.3(DHCR7):c.1112G>A (p.Trp371Ter)

Gene: DHCR7 (7-dehydrocholesterol reductase; minus strand). Cytogenetic location: 11q13.4.
Variant type: single nucleotide variant.
Coding change: c.1112G>A on transcript NM_001360.3 (MANE Select); coding-DNA position 1112, G replaced by A.
Protein change: p.Trp371Ter; replaces tryptophan 371 with a stop codon.
Molecular consequence: nonsense.
Genome position (GRCh38, 1-based): chr11:71,435,691, C>T on the plus strand (G>A on the coding strand, the complement: DHCR7 is on the minus strand). VCF-style: chr11-71435691-C-T. GRCh37 (hg19) VCF-style: chr11-71146737-C-T.
Other names: c.1112G>A, p.Trp371Ter (NM_001163817.2); c.1112G>A (NM_001360.2); short protein forms W371*.
Identifiers: ClinVar variation 813484 (VCV000813484.6), dbSNP rs1591107421, ClinGen allele CA381702003.